The following is an entry in ClinVar:

ClinVar aggregate classification (germline): Uncertain significance (1 of 4 stars; one submission).

Conditions:
Cardiovascular phenotype. Identifiers: MedGen CN230736.

gnomAD v4.1: 1 of 1,614,062 alleles (0.000062%); highest among the groups gnomAD compares: Non-Finnish European, 0.000085%; no homozygotes.

Submission:

Ambry Genetics
Classification: Uncertain significance for Cardiovascular phenotype. Last evaluated: 2021-11-08. Review status: criteria provided, single submitter. Criteria: Ambry Variant Classification Scheme 2023. Collection method: clinical testing. Allele origin: germline.
Comment: The p.H814R variant (also known as c.2441A>G), located in coding exon 8 of the ALMS1 gene, results from an A to G substitution at nucleotide position 2441. The histidine at codon 814 is replaced by arginine, an amino acid with highly similar properties. This amino acid position is not well conserved in available vertebrate species. In addition, this alteration is predicted to be tolerated by in silico analysis. Since supporting evidence is limited at this time, the clinical significance of this alteration remains unclear.

NM_001378454.1(ALMS1):c.2438A>G (p.His813Arg)

Gene: ALMS1 (ALMS1 centrosome and basal body associated protein; plus strand). Cytogenetic location: 2p13.1.
Variant type: single nucleotide variant.
Coding change: c.2438A>G on transcript NM_001378454.1 (MANE Select); coding-DNA position 2438, A replaced by G.
Protein change: p.His813Arg; replaces histidine 813 with arginine.
Molecular consequence: missense variant.
Genome position (GRCh38, 1-based): chr2:73,448,965, A>G. VCF-style: chr2-73448965-A-G. GRCh37 (hg19) VCF-style: chr2-73676092-A-G.
Other names: c.2441A>G, p.His814Arg (NM_015120.4); short protein forms H813R, H814R.
Identifiers: ClinVar variation 1791334 (VCV001791334.2), dbSNP rs775512871, ClinGen allele CA347270080.
Genomic context (GRCh38, chr2:73,448,965, plus strand): 5'-TTGCTGGACCAGCTGACCAGAAGACTGGCCTACCAACAGTACCCTCTAGTGCATACTCAC[A>G]CAGAGAGAAGCTCCTTGTTTTCTACCAACAGGCCTTGCTGGACAGCCATCTACCCGAAGA-3'
Protein context (NP_001365383.1, residues 803-823): LPTVPSSAYS[His813Arg]REKLLVFYQQ